The following is an entry in ClinVar:

NM_015910.7(WDPCP):c.542A>G (p.Gln181Arg)

Gene: WDPCP (WD repeat containing planar cell polarity effector; minus strand). Cytogenetic location: 2p15.
Variant type: single nucleotide variant.
Coding change: c.542A>G on transcript NM_015910.7 (MANE Select); coding-DNA position 542, A replaced by G.
Protein change: p.Gln181Arg; replaces glutamine 181 with arginine.
Molecular consequence: missense variant. On other transcripts: non-coding transcript variant (3).
Genome position (GRCh38, 1-based): chr2:63,437,512, T>C on the plus strand (A>G on the coding strand, the complement: WDPCP is on the minus strand). VCF-style: chr2-63437512-T-C. GRCh37 (hg19) VCF-style: chr2-63664646-T-C.
Other names: c.65A>G, p.Gln22Arg (NM_001042692.3); c.470A>G, p.Gln157Arg (NM_001354044.2); c.542A>G, p.Gln181Arg (NM_001354045.2); short protein forms Q157R, Q181R, Q22R.
Identifiers: ClinVar variation 4988027 (VCV004988027.1).

ClinVar aggregate classification (germline): Uncertain significance (1 of 4 stars; one submission).

Conditions:
WDPCP-related disorder. Also called: WDPCP-related condition.

gnomAD v4.1: 2 of 1,598,718 alleles (0.00013%); highest among the groups gnomAD compares: Admixed American, 0.0017%; no homozygotes.

Submission:

PreventionGenetics, part of Exact Sciences
Classification: Uncertain significance for WDPCP-related condition. Last evaluated: 2024-10-07. Review status: criteria provided, single submitter. Criteria: ACMG Guidelines, 2015. Collection method: clinical testing. Allele origin: germline.
Comment: The WDPCP c.542A>G variant is predicted to result in the amino acid substitution p.Gln181Arg. To our knowledge, this variant has not been reported in the literature. This variant is reported in 0.0031% of alleles in individuals of Latino descent in gnomAD. At this time, the clinical significance of this variant is uncertain due to the absence of conclusive functional and genetic evidence.